The following is an entry in ClinVar:

NM_024757.5(EHMT1):c.3180+1G>A

Gene: EHMT1 (euchromatic histone lysine methyltransferase 1; plus strand). Cytogenetic location: 9q34.3.
Variant type: single nucleotide variant.
Coding change: c.3180+1G>A on transcript NM_024757.5 (MANE Select); the canonical splice donor site of the intron after coding-DNA position 3180, G replaced by A.
Molecular consequence: splice donor variant.
Genome position (GRCh38, 1-based): chr9:137,813,531, G>A. VCF-style: chr9-137813531-G-A. GRCh37 (hg19) VCF-style: chr9-140707983-G-A.
Other names: 5' Splice Site; c.3159+1G>A (NM_001354263.2).
Identifiers: ClinVar variation 3061941 (VCV003061941.1), dbSNP rs137852724, ClinGen allele CA375794654.
Genomic context (GRCh38, chr9:137,813,531, plus strand): 5'-GTCTCTCAGAACTGCGTGACGTCCCCCATGAACATCGACAGAAATATCACTCATCTGCAG[G>A]TGAGTGACGGCAGATGAAGGGCTGACTCAGGCCAGGACATGGGACAGGCAGAAGCTTCTT-3'

ClinVar aggregate classification (germline): Likely pathogenic (1 of 4 stars; one submission).

Conditions:
Kleefstra syndrome 1 (KLEFS1). Identifiers: Orphanet 261494, MedGen C0795833, MONDO:0027407, OMIM 610253.

Submission:

Foundation for Research in Genetics and Endocrinology, FRIGE's Institute of Human Genetics
Classification: Likely pathogenic for Kleefstra syndrome 1. Last evaluated: 2024-02-09. Review status: criteria provided, single submitter. Criteria: ACMG Guidelines, 2015. Collection method: clinical testing. Allele origin: germline. Inheritance: Autosomal dominant inheritance. Affected: yes. Observed: 1 heterozygote.
Comment: A heterozygous 5’ splice site variant in intron 21 of the EHMT1 gene that affects the invariant GT donor splice site downstream of exon 22 (c.3180+1G>A) was detected. The variant has not been reported in the 1000 genomes, gnomAD (v3.1), gnomdAD (v2.1) and topmed databases. The in-silico prediction of the variant is damaging by MutationTaster2. The reference base is conserved across species. In summary, the variant meets our criteria to be classified as likely pathogenic.